The following is an entry in ClinVar:

ClinVar aggregate classification (germline): Uncertain significance (1 of 4 stars; one submission).

Conditions:
Peroxisome biogenesis disorder 2B (PBD2B). Identifiers: Orphanet 44, MedGen C3550234, MONDO:0008736, OMIM 202370.

Submission:

Labcorp Genetics (formerly Invitae), Labcorp
Classification: Uncertain significance for Neonatal adrenoleucodystrophy. Last evaluated: 2019-12-30. Review status: criteria provided, single submitter. Criteria: Invitae Variant Classification Sherloc (09022015). Collection method: clinical testing. Allele origin: germline.
Comment: This variant results in a copy number gain of the genomic region encompassing the full coding sequence of the PEX5 gene. The boundaries of this event are unknown as they extend beyond the assayed region for this gene and therefore may encompass additional genes. As the precise location of this event is unknown, it may be in tandem or it may be located elsewhere in the genome. This variant has not been reported in the literature in individuals with PEX5-related conditions. In summary, the available evidence is currently insufficient to determine the role of this variant in disease. Therefore, it has been classified as a Variant of Uncertain Significance.

NC_000012.11:g.(?_6438458)_(7362839_?)dup

Genes: ACRBP (acrosin binding protein; minus strand), ATN1 (atrophin 1; plus strand), ING4 (inhibitor of growth family member 4; minus strand), C12orf57 (chromosome 12 open reading frame 57; plus strand), C1R (complement C1r; minus strand) and 40 more. Cytogenetic location: 12p13.31.
Variant type: Duplication.
Identifiers: ClinVar variation 830671 (VCV000830671.1).